The following is an entry in ClinVar:

NM_177438.3(DICER1):c.3757G>T (p.Asp1253Tyr)

Gene: DICER1 (dicer 1, ribonuclease III; minus strand). Cytogenetic location: 14q32.13.
Variant type: single nucleotide variant.
Coding change: c.3757G>T on transcript NM_177438.3 (MANE Select); coding-DNA position 3757, G replaced by T.
Protein change: p.Asp1253Tyr; replaces aspartic acid 1253 with tyrosine.
Molecular consequence: missense variant. On other transcripts: non-coding transcript variant (6).
Genome position (GRCh38, 1-based): chr14:95,103,639, C>A on the plus strand (G>T on the coding strand, the complement: DICER1 is on the minus strand). VCF-style: chr14-95103639-C-A. GRCh37 (hg19) VCF-style: chr14-95569976-C-A.
Other names: c.3757G>T, p.Asp1253Tyr (NM_001195573.1, NM_001271282.3, NM_001291628.2 and 13 more transcripts); c.3475G>T, p.Asp1159Tyr (NM_001395686.1); c.3352G>T, p.Asp1118Tyr (NM_001395687.1, NM_001395688.1, NM_001395689.1 and 2 more transcripts); c.3190G>T, p.Asp1064Tyr (NM_001395691.1); c.2074G>T, p.Asp692Tyr (NM_001395697.1); short protein forms D1118Y, D1253Y, D1064Y, D1159Y, D692Y.
Identifiers: ClinVar variation 2156511 (VCV002156511.4), dbSNP rs2139960475, ClinGen allele CA390873636.
Genomic context (GRCh38, chr14:95,103,639, plus strand): 5'-CCTTGAGCACTTGAATAGTGTCTGTCGTACCAGGCATTACGGCCATCACAGGACTTCCAT[C>A]TGAGGTAGATTTGTTAGCATTTCCATCAAGGTATTTATTACTCAGGAGAGTACATTCATC-3'
Protein context (NP_803187.1, residues 1243-1263): LDGNANKSTS[Asp1253Tyr]GSPVMAVMPG

ClinVar aggregate classification (germline): Uncertain significance (1 of 4 stars; one submission).

Conditions:
DICER1-related tumor predisposition. Also called: DICER1-related pleuropulmonary blastoma cancer predisposition syndrome; DICER1 syndrome. Identifiers: Orphanet 284343, MedGen C3839822, MONDO:0100216.

Submission:

Labcorp Genetics (formerly Invitae), Labcorp
Classification: Uncertain significance for DICER1-related tumor predisposition. Last evaluated: 2022-05-11. Review status: criteria provided, single submitter. Criteria: Invitae Variant Classification Sherloc (09022015). Collection method: clinical testing. Allele origin: germline.
Comment: In summary, the available evidence is currently insufficient to determine the role of this variant in disease. Therefore, it has been classified as a Variant of Uncertain Significance. Algorithms developed to predict the effect of missense changes on protein structure and function are either unavailable or do not agree on the potential impact of this missense change (SIFT: "Deleterious"; PolyPhen-2: "Benign"; Align-GVGD: "Class C15"). This variant has not been reported in the literature in individuals affected with DICER1-related conditions. This variant is not present in population databases (gnomAD no frequency). This sequence change replaces aspartic acid, which is acidic and polar, with tyrosine, which is neutral and polar, at codon 1253 of the DICER1 protein (p.Asp1253Tyr).